The following is an entry in ClinVar:

NM_004064.5(CDKN1B):c.276del (p.Arg93fs)

Gene: CDKN1B (cyclin dependent kinase inhibitor 1B; plus strand). Cytogenetic location: 12p13.1.
Variant type: Deletion.
Coding change: c.276del on transcript NM_004064.5 (MANE Select); coding-DNA position 276, one base deleted (G; older notation c.276delG).
Protein change: p.Arg93fs; shifts the reading frame from arginine 93.
Molecular consequence: frameshift variant.
Genome position (GRCh38, 1-based): chr12:12,718,115, G deleted. VCF-style (leftmost placement, unchanged base first): chr12-12718114-CG-C. GRCh37 (hg19) VCF-style: chr12-12871048-CG-C.
Other names: short protein forms R93fs.
Identifiers: ClinVar variation 1069229 (VCV001069229.7), dbSNP rs2136355975, ClinGen allele CA2499221486.
Genomic context (GRCh38, chr12:12,718,114, plus strand): 5'-GCAAGTACGAGTGGCAAGAGGTGGAGAAGGGCAGCTTGCCCGAGTTCTACTACAGACCCC[CG>C]CGGCCCCCCAAAGGTGCCTGCAAGGTGCCGGCGCAGGAGAGCCAGGATGTCAGCGGGAGC-3'

ClinVar aggregate classification (germline): Pathogenic (1 of 4 stars; one submission).

Conditions:
Multiple endocrine neoplasia type 4. Also called: MULTIPLE ENDOCRINE NEOPLASIA, TYPE IV. Identifiers: Orphanet 276152, MedGen C1970712, MONDO:0012552, OMIM 610755.

Submission:

Labcorp Genetics (formerly Invitae), Labcorp
Classification: Pathogenic for Multiple endocrine neoplasia type 4. Last evaluated: 2020-01-08. Review status: criteria provided, single submitter. Criteria: Invitae Variant Classification Sherloc (09022015). Collection method: clinical testing. Allele origin: germline.
Comment: This variant has not been reported in the literature in individuals with CDKN1B-related conditions. For these reasons, this variant has been classified as Pathogenic. Loss-of-function variants in CDKN1B are known to be pathogenic (PMID: 17030811, 24819502). This variant is not present in population databases (ExAC no frequency). This sequence change creates a premature translational stop signal (p.Arg93Glyfs*26) in the CDKN1B gene. It is expected to result in an absent or disrupted protein product.

Literature cited by the submitters: PubMed 17030811; PubMed 24819502.